The following is an entry in ClinVar:

ClinVar aggregate classification (germline): Uncertain significance (1 of 4 stars; one submission).

gnomAD v4.1: 2 of 1,614,112 alleles (0.00012%); highest among the groups gnomAD compares: Non-Finnish European, 0.00017%; no homozygotes.

Submission:

Ambry Genetics
Classification: Uncertain significance. Last evaluated: 2025-03-06. Review status: criteria provided, single submitter. Criteria: Ambry Variant Classification Scheme 2023. Collection method: clinical testing. Allele origin: germline.
Comment: The p.L296V variant (also known as c.886C>G), located in coding exon 8 of the RAD51B gene, results from a C to G substitution at nucleotide position 886. The leucine at codon 296 is replaced by valine, an amino acid with highly similar properties. This amino acid position is conserved. In addition, the in silico prediction for this alteration is inconclusive. Based on the available evidence, the clinical significance of this variant remains unclear.

NM_133510.4(RAD51B):c.886C>G (p.Leu296Val)

Gene: RAD51B (RAD51 paralog B; plus strand). Cytogenetic location: 14q24.1.
Variant type: single nucleotide variant.
Coding change: c.886C>G on transcript NM_133510.4 (MANE Select); coding-DNA position 886, C replaced by G.
Protein change: p.Leu296Val; replaces leucine 296 with valine.
Molecular consequence: missense variant.
Genome position (GRCh38, 1-based): chr14:68,411,456, C>G. VCF-style: chr14-68411456-C-G. GRCh37 (hg19) VCF-style: chr14-68878173-C-G.
Other names: c.886C>G, p.Leu296Val (NM_001321809.2, NM_001321810.2, NM_001321812.1 and 6 more transcripts); c.772C>G, p.Leu258Val (NM_001321815.1); c.529C>G, p.Leu177Val (NM_001321817.2); short protein forms L177V, L258V, L296V.
Identifiers: ClinVar variation 3786476 (VCV003786476.1).